The following is an entry in ClinVar:

ClinVar aggregate classification (germline): Uncertain significance (1 of 4 stars; one submission).

Allele frequency attached by ClinVar (database versions not stated): TOPMed below 0.00001; gnomAD 0.00001; gnomAD exomes 0.00002; ExAC 0.00004.
gnomAD v4.1: 34 of 1,586,674 alleles (0.0021%); highest among the groups gnomAD compares: East Asian, 0.011%; no homozygotes.

Submission:

Women's Health and Genetics/Laboratory Corporation of America, LabCorp
Classification: Uncertain significance. Last evaluated: 2023-11-30. Review status: criteria provided, single submitter. Criteria: LabCorp Variant Classification Summary - May 2015. Collection method: clinical testing. Allele origin: germline.
Comment: Variant summary: PKHD1 c.1124G>A (p.Arg375Gln) results in a conservative amino acid change located in the PA14/GLEYA domain (IPR037524) of the encoded protein sequence. Three of five in-silico tools predict a benign effect of the variant on protein function. The variant allele was found at a frequency of 2.4e-05 in 251142 control chromosomes (gnomAD). The available data on variant occurrences in the general population are insufficient to allow any conclusion about variant significance. This report does not provide unequivocal conclusions about association of the variant with Polycystic Kidney And Hepatic Disease. To our knowledge, no experimental evidence demonstrating an impact on protein function has been reported. The following publication has been ascertained in the context of this evaluation (PMID: 35778421). No submitters have cited clinical-significance assessments for this variant to ClinVar after 2014. Based on the evidence outlined above, the variant was classified as uncertain significance.

Literature cited by the submitters: PubMed 35778421.

NM_138694.4(PKHD1):c.1124G>A (p.Arg375Gln)

Gene: PKHD1 (PKHD1 ciliary IPT domain containing fibrocystin/polyductin; minus strand). Cytogenetic location: 6p12.2.
Variant type: single nucleotide variant.
Coding change: c.1124G>A on transcript NM_138694.4 (MANE Select); coding-DNA position 1124, G replaced by A.
Protein change: p.Arg375Gln; replaces arginine 375 with glutamine.
Molecular consequence: missense variant.
Genome position (GRCh38, 1-based): chr6:52,060,037, C>T on the plus strand (G>A on the coding strand, the complement: PKHD1 is on the minus strand). VCF-style: chr6-52060037-C-T. GRCh37 (hg19) VCF-style: chr6-51924835-C-T.
Other names: c.1124G>A, p.Arg375Gln (NM_170724.3); short protein forms R375Q.
Identifiers: ClinVar variation 2682305 (VCV002682305.1), dbSNP rs767232748, ClinGen allele CA3853635.